The following is an entry in ClinVar:

NM_021072.4(HCN1):c.1228A>G (p.Lys410Glu)

Gene: HCN1 (hyperpolarization activated cyclic nucleotide gated potassium channel 1; minus strand). Cytogenetic location: 5p12.
Variant type: single nucleotide variant.
Coding change: c.1228A>G on transcript NM_021072.4 (MANE Select); coding-DNA position 1228, A replaced by G.
Protein change: p.Lys410Glu; replaces lysine 410 with glutamic acid.
Molecular consequence: missense variant.
Genome position (GRCh38, 1-based): chr5:45,396,494, T>C on the plus strand (A>G on the coding strand, the complement: HCN1 is on the minus strand). VCF-style: chr5-45396494-T-C. GRCh37 (hg19) VCF-style: chr5-45396596-T-C.
Other names: short protein forms K410E.
Identifiers: ClinVar variation 1495538 (VCV001495538.9), dbSNP rs2112040568, ClinGen allele CA359705141.

ClinVar aggregate classification (germline): Uncertain significance (1 of 4 stars; one submission).

Conditions:
Early-infantile DEE. Also called: Ohtahara syndrome; Early infantile epileptic encephalopathy; Early infantile epileptic encephalopathy with suppression bursts. Identifiers: Orphanet 1934, MedGen C0393706, MONDO:0800491.

Submission:

Labcorp Genetics (formerly Invitae), Labcorp
Classification: Uncertain significance for Early-infantile DEE. Last evaluated: 2021-03-24. Review status: criteria provided, single submitter. Criteria: Invitae Variant Classification Sherloc (09022015). Collection method: clinical testing. Allele origin: germline.
Comment: Algorithms developed to predict the effect of missense changes on protein structure and function are either unavailable or do not agree on the potential impact of this missense change (SIFT: "Deleterious"; PolyPhen-2: "Benign"; Align-GVGD: "Class C55"). In summary, the available evidence is currently insufficient to determine the role of this variant in disease. Therefore, it has been classified as a Variant of Uncertain Significance. This variant has not been reported in the literature in individuals with HCN1-related conditions. This variant is not present in population databases (ExAC no frequency). This sequence change replaces lysine with glutamic acid at codon 410 of the HCN1 protein (p.Lys410Glu). The lysine residue is highly conserved and there is a small physicochemical difference between lysine and glutamic acid.